The following is an entry in ClinVar:

NM_000245.4(MET):c.1545G>A (p.Leu515=)

Gene: MET (MET proto-oncogene, receptor tyrosine kinase; plus strand). Cytogenetic location: 7q31.2.
Variant type: single nucleotide variant.
Coding change: c.1545G>A on transcript NM_000245.4 (MANE Select); coding-DNA position 1545, G replaced by A.
Protein change: p.Leu515=; no amino-acid change (leucine 515 retained).
Molecular consequence: synonymous variant.
Genome position (GRCh38, 1-based): chr7:116,740,869, G>A. VCF-style: chr7-116740869-G-A. GRCh37 (hg19) VCF-style: chr7-116380923-G-A.
Other names: c.1545G>A, p.Leu515= (NM_001127500.3, NM_001324401.3); c.255G>A, p.Leu85= (NM_001324402.2).
Identifiers: ClinVar variation 3657035 (VCV003657035.4).
Genomic context (GRCh38, chr7:116,740,869, plus strand): 5'-TAGATACCCCTCTGGAAGCTCTTTCCACCCCTTCTCTTCACAGATCACGAAGATCCCATT[G>A]AATGGCTTGGGCTGCAGACATTTCCAGTCCTGCAGTCAATGCCTCTCTGCCCCACCCTTT-3'
Protein context (NP_000236.2, residues 505-525): ITGKKITKIP[Leu515=]NGLGCRHFQS

ClinVar aggregate classification (germline): Benign/Likely benign. Review status: criteria provided, multiple submitters, no conflicts (2 of 4 stars). 3 submissions from 3 submitters: Benign (1); Likely benign (2). Last evaluated 2025-09-27.

Conditions:
Hereditary cancer-predisposing syndrome. Also called: Hereditary Cancer Syndrome; Neoplastic Syndromes, Hereditary; Hereditary neoplastic syndrome; Tumor predisposition. Identifiers: Orphanet 140162, MedGen C0027672, MeSH D009386, MONDO:0015356.
Papillary renal cell carcinoma type 1 (RCCP1). Also called: RENAL CELL CARCINOMA, PAPILLARY, 1, SOMATIC; Renal adenocarcinoma; Renal cell carcinoma 1; Renal cell carcinoma, somatic. Identifiers: Orphanet 47044, MedGen C1336839, OMIM 605074, HP:0011797.
Renal cell carcinoma. Identifiers: Orphanet 217071, MedGen C0007134, MeSH D002292, MONDO:0005086, HP:0005584.

gnomAD v4.1: 1 of 1,614,042 alleles (0.000062%); highest among the groups gnomAD compares: East Asian, 0.0022%; no homozygotes.

Submissions (3):

Ambry Genetics
Classification: Likely benign for Hereditary cancer-predisposing syndrome. Last evaluated: 2025-09-27. Review status: criteria provided, single submitter. Criteria: Ambry Variant Classification Scheme 2023. Collection method: clinical testing. Allele origin: germline.

Myriad Genetics, Inc.
Classification: Benign for Papillary renal cell carcinoma type 1. Last evaluated: 2024-11-07. Review status: criteria provided, single submitter. Criteria: Myriad Autosomal Dominant, Autosomal Recessive and X-Linked Classification Criteria (2023). Collection method: clinical testing. Allele origin: unknown.
Comment: This variant is considered benign. This variant is a silent/synonymous amino acid change and it is not expected to impact splicing.

Labcorp Genetics (formerly Invitae), Labcorp
Classification: Likely benign for Renal cell carcinoma. Last evaluated: 2024-06-19. Review status: criteria provided, single submitter. Criteria: Invitae Variant Classification Sherloc (09022015). Collection method: clinical testing. Allele origin: germline.